The following is an entry in ClinVar:

ClinVar aggregate classification (germline): Pathogenic (0 of 4 stars; one submission).

Conditions:
Asphyxiating thoracic dystrophy 3. Also called: SHORT-RIB THORACIC DYSPLASIA 3/6 WITH POLYDACTYLY, DIGENIC; SHORT-RIB THORACIC DYSPLASIA 3 WITH OR WITHOUT POLYDACTYLY; POLYDACTYLY WITH NEONATAL CHONDRODYSTROPHY, TYPE I; Short rib polydactyly syndrome 2B; Saldino-Noonan Syndrome. Identifiers: Orphanet 474, Orphanet 93269, Orphanet 93270, Orphanet 93271, MedGen C0036069, MONDO:0013127, OMIM 613091.

Submission:

Foundation for Research in Genetics and Endocrinology, FRIGE's Institute of Human Genetics
Classification: Pathogenic for Asphyxiating thoracic dystrophy 3. Last evaluated: 2015-06-09. Review status: no assertion criteria provided. Collection method: clinical testing. Allele origin: germline. Inheritance: Autosomal recessive inheritance. Affected: yes. Observed: 1 variant allele, 1 compound heterozygote.
Comment: The observed variant is not reported in 1000 genome and ExAC databases and is likely to be pathogenic by In Silico analysis using mutation taster, SIFT and PolyPhen.

NM_001080463.1(DYNC2H1):c.[5053G>A];[7784A>G]

Variant type: CompoundHeterozygote.
Identifiers: ClinVar variation 429027 (VCV000429027.1).